The following is an entry in ClinVar:

ClinVar aggregate classification (germline): Uncertain significance (1 of 4 stars; one submission).

Conditions:
Hereditary cancer-predisposing syndrome. Also called: Tumor predisposition; Hereditary neoplastic syndrome; Hereditary Cancer Syndrome; Neoplastic Syndromes, Hereditary. Identifiers: Orphanet 140162, MedGen C0027672, MeSH D009386, MONDO:0015356.

gnomAD v4.1: 1 of 1,614,200 alleles (0.000062%); highest among the groups gnomAD compares: Admixed American, 0.0017%; no homozygotes.

Submission:

Ambry Genetics
Classification: Uncertain significance for Hereditary cancer-predisposing syndrome. Last evaluated: 2023-12-30. Review status: criteria provided, single submitter. Criteria: Ambry Variant Classification Scheme 2023. Collection method: clinical testing. Allele origin: germline.
Comment: The p.K1003M variant (also known as c.3008A>T), located in coding exon 18 of the ALK gene, results from an A to T substitution at nucleotide position 3008. The lysine at codon 1003 is replaced by methionine, an amino acid with similar properties. This amino acid position is conserved. In addition, this alteration is predicted to be tolerated by in silico analysis. Since supporting evidence is limited at this time, the clinical significance of this alteration remains unclear.

NM_004304.5(ALK):c.3008A>T (p.Lys1003Met)

Gene: ALK (ALK receptor tyrosine kinase; minus strand). Cytogenetic location: 2p23.2.
Variant type: single nucleotide variant.
Coding change: c.3008A>T on transcript NM_004304.5 (MANE Select); coding-DNA position 3008, A replaced by T.
Protein change: p.Lys1003Met; replaces lysine 1003 with methionine.
Molecular consequence: missense variant.
Genome position (GRCh38, 1-based): chr2:29,226,981, T>A on the plus strand (A>T on the coding strand, the complement: ALK is on the minus strand). VCF-style: chr2-29226981-T-A. GRCh37 (hg19) VCF-style: chr2-29449847-T-A.
Other names: short protein forms K1003M.
Identifiers: ClinVar variation 3223854 (VCV003223854.1), dbSNP rs1573131736, ClinGen allele CA346467651.